The following is an entry in ClinVar:

NM_000063.6(C2):c.1390G>A (p.Gly464Arg)

Gene: C2 (complement C2; plus strand). Cytogenetic location: 6p21.33.
Variant type: single nucleotide variant.
Coding change: c.1390G>A on transcript NM_000063.6 (MANE Select); coding-DNA position 1390, G replaced by A.
Protein change: p.Gly464Arg; replaces glycine 464 with arginine.
Molecular consequence: missense variant.
Genome position (GRCh38, 1-based): chr6:31,943,254, G>A. VCF-style: chr6-31943254-G-A. GRCh37 (hg19) VCF-style: chr6-31911031-G-A.
Other names: C2, GLY444ARG; G444R; c.994G>A, p.Gly332Arg (NM_001145903.3); c.748G>A, p.Gly250Arg (NM_001178063.3); c.652G>A, p.Gly218Arg (NM_001282457.2); c.1303G>A, p.Gly435Arg (NM_001282458.2); short protein forms G218R, G250R, G332R, G435R, G464R.
Identifiers: ClinVar variation 12129 (VCV000012129.6), dbSNP rs151340617, ClinGen allele CA136890652.

ClinVar aggregate classification (germline): Uncertain significance. Review status: criteria provided, single submitter (1 of 4 stars). 2 submissions from 2 submitters: Uncertain significance (1). 1 of the submissions does not count toward it. Last evaluated 2022-03-24.

Conditions:
C2 deficiency, type II. Identifiers: MedGen C4017352.

Allele frequency attached by ClinVar (database versions not stated): gnomAD 0.00001; gnomAD exomes 0.00001; TOPMed 0.00002.

Submissions (2):

Labcorp Genetics (formerly Invitae), Labcorp
Classification: Uncertain significance. Last evaluated: 2022-03-24. Review status: criteria provided, single submitter. Criteria: Invitae Variant Classification Sherloc (09022015). Collection method: clinical testing. Allele origin: germline.
Comment: In summary, the available evidence is currently insufficient to determine the role of this variant in disease. Therefore, it has been classified as a Variant of Uncertain Significance. RNA analysis performed to evaluate the impact of this missense change on mRNA splicing indicates it does not significantly alter splicing (PMID: 8621452). Experimental studies have shown that this missense change affects C2 function (PMID: 8621452). Algorithms developed to predict the effect of missense changes on protein structure and function (SIFT, PolyPhen-2, Align-GVGD) all suggest that this variant is likely to be disruptive. This variant is also known as c.1330G>A (Gly444Arg). This missense change has been observed in individual(s) with C2 deficiency (PMID: 1542325, 8621452). This variant is present in population databases (rs151340617, gnomAD 0.002%). This sequence change replaces glycine, which is neutral and non-polar, with arginine, which is basic and polar, at codon 464 of the C2 protein (p.Gly464Arg).

OMIM
Classification: Pathogenic for C2 DEFICIENCY, TYPE II. Last evaluated: 1996-03-08. Review status: no assertion criteria provided. Collection method: literature only. Allele origin: germline. Not counted in ClinVar's aggregate classification.

Literature cited by the submitters: PubMed 8621452 (cited by Labcorp Genetics (formerly Invitae), Labcorp and OMIM); PubMed 1542325 (cited by Labcorp Genetics (formerly Invitae), Labcorp).